The following is an entry in ClinVar:

NM_032607.3(CREB3L3):c.1317C>T (p.Asp439=)

Genes: CREB3L3 (cAMP responsive element binding protein 3 like 3; plus strand), LOC125371455 (Sharpr-MPRA regulatory region 11650; plus strand). Cytogenetic location: 19p13.3.
Variant type: single nucleotide variant.
Coding change: c.1317C>T on transcript NM_032607.3 (MANE Select); coding-DNA position 1317, C replaced by T.
Protein change: p.Asp439=; no amino-acid change (aspartic acid 439 retained).
Molecular consequence: synonymous variant. On other transcripts: 3 prime UTR variant (1).
Genome position (GRCh38, 1-based): chr19:4,171,900, C>T. VCF-style: chr19-4171900-C-T. GRCh37 (hg19) VCF-style: chr19-4171897-C-T.
Other names: p.Asp439=; c.1314C>T, p.Asp438= (NM_001271995.2); c.1311C>T, p.Asp437= (NM_001271996.2); c.*196C>T (NM_001271997.2).
Identifiers: ClinVar variation 1593606 (VCV001593606.35), dbSNP rs147172080, ClinGen allele CA9091680.

ClinVar aggregate classification (germline): Benign/Likely benign. Review status: criteria provided, multiple submitters, no conflicts (2 of 4 stars). 5 submissions from 5 submitters: Benign (3); Likely benign (2). Last evaluated 2026-01-27.

Allele frequency attached by ClinVar (database versions not stated): 1000 Genomes Project 0.00160; 1000 Genomes Project 30x 0.00172; ESP Exome Variant Server 0.00208; gnomAD 0.00247 and 0.00261; TOPMed 0.00247; gnomAD exomes 0.00327 and 0.00378; ExAC 0.00379.
gnomAD v4.1: 5,881 of 1,612,578 alleles (0.36%); highest among the groups gnomAD compares: South Asian, 0.95%; 26 homozygotes.

Submissions (5):

Labcorp Genetics (formerly Invitae), Labcorp
Classification: Benign. Last evaluated: 2026-01-27. Review status: criteria provided, single submitter. Criteria: Invitae Variant Classification Sherloc (09022015). Collection method: clinical testing. Allele origin: germline.

Mayo Clinic Laboratories, Mayo Clinic
Classification: Benign. Last evaluated: 2025-10-01. Review status: criteria provided, single submitter. Criteria: ACMG Guidelines, 2015. Collection method: clinical testing. Allele origin: germline. Observed: 1 variant allele.
Comment: BS1, BS2, BP4, BP7

CeGaT Center for Human Genetics Tuebingen
Classification: Likely benign. Last evaluated: 2024-12-01. Review status: criteria provided, single submitter. Criteria: CeGaT Center For Human Genetics Tuebingen Variant Classification Criteria Version 2. Collection method: clinical testing. Allele origin: germline. Affected: yes. Observed: 2 variant alleles.
Comment: CREB3L3: BP4, BP7, BS2

Blueprint Genetics
Classification: Likely benign. Last evaluated: 2024-11-27. Review status: criteria provided, single submitter. Criteria: ACMG Guidelines, 2015. Collection method: clinical testing. Allele origin: germline.

Breakthrough Genomics
Classification: Benign. Review status: criteria provided, single submitter. Criteria: ACMG Guidelines, 2015. Collection method: not provided. Allele origin: germline. Inheritance: Autosomal dominant inheritance. Affected: yes.